The following is an entry in ClinVar:

NM_024301.5(FKRP):c.1003G>A (p.Ala335Thr)

Gene: FKRP (fukutin related protein; plus strand). Cytogenetic location: 19q13.32.
Variant type: single nucleotide variant.
Coding change: c.1003G>A on transcript NM_024301.5 (MANE Select); coding-DNA position 1003, G replaced by A.
Protein change: p.Ala335Thr; replaces alanine 335 with threonine.
Molecular consequence: missense variant.
Genome position (GRCh38, 1-based): chr19:46,756,453, G>A. VCF-style: chr19-46756453-G-A. GRCh37 (hg19) VCF-style: chr19-47259710-G-A.
Other names: c.1003G>A, p.Ala335Thr (NM_001039885.3); short protein forms A335T.
Identifiers: ClinVar variation 283265 (VCV000283265.22), dbSNP rs776947530, ClinGen allele CA9532222.

ClinVar aggregate classification (germline): Uncertain significance. Review status: criteria provided, multiple submitters, no conflicts (2 of 4 stars). 8 submissions from 8 submitters: Uncertain significance (7). 1 of the submissions does not count toward it. Last evaluated 2025-10-14.

Conditions:
Cardiovascular phenotype. Identifiers: MedGen CN230736.
Walker-Warburg congenital muscular dystrophy. Also called: Muscular dystrophy-dystroglycanopathy, type A; Walker-Warburg syndrome. Identifiers: Orphanet 899, MedGen C0265221, MONDO:0000171.
Muscular dystrophy-dystroglycanopathy (congenital with brain and eye anomalies), type A1 (MDDGA1). Also called: Hydrocephalus, agyria and retinal dysplasia; Hard +/- E syndrome; Warburg syndrome; Chemke syndrome; Pagon syndrome; Cerebroocular dysgenesis. Identifiers: Orphanet 588, Orphanet 899, MedGen C4284790, MONDO:0009364, OMIM 236670.
Muscular dystrophy-dystroglycanopathy type B5 (MDDGB5). Also called: MUSCULAR DYSTROPHY-DYSTROGLYCANOPATHY (CONGENITAL WITH OR WITHOUT IMPAIRED INTELLECTUAL DEVELOPMENT), TYPE B, 5; MUSCULAR DYSTROPHY, CONGENITAL, 1C; MUSCULAR DYSTROPHY, CONGENITAL, FKRP-RELATED. Identifiers: MedGen C1847759, MONDO:0011688, OMIM 606612.
Autosomal recessive limb-girdle muscular dystrophy type 2I. Also called: MUSCULAR DYSTROPHY-DYSTROGLYCANOPATHY, LIMB-GIRDLE, FRKP-RELATED; MUSCULAR DYSTROPHY-DYSTROGLYCANOPATHY (LIMB-GIRDLE), TYPE C, 5; MUSCULAR DYSTROPHY, LIMB-GIRDLE, TYPE 2I. Identifiers: Orphanet 34515, MedGen C1846672, MONDO:0011787, OMIM 607155.
Muscular dystrophy-dystroglycanopathy (congenital with brain and eye anomalies), type A5. Also called: MUSCULAR DYSTROPHY-DYSTROGLYCANOPATHY (CONGENITAL WITH BRAIN AND EYE ANOMALIES), TYPE A, 5; WALKER-WARBURG SYNDROME OR MUSCLE-EYE-BRAIN DISEASE, FKRP-RELATED. Identifiers: Orphanet 588, Orphanet 899, MedGen C3150413, MONDO:0013157, OMIM 613153.

Allele frequency attached by ClinVar (database versions not stated): gnomAD exomes 0.00001 and 0.00003; ExAC 0.00009; gnomAD 0.00025 and 0.00026; TOPMed 0.00026.
gnomAD v4.1: 54 of 1,584,952 alleles (0.0034%); highest among the groups gnomAD compares: African/African-American, 0.072%; no homozygotes.

Submissions (8):

GeneDx
Classification: Uncertain significance. Last evaluated: 2025-10-14. Review status: criteria provided, single submitter. Criteria: GeneDx Variant Classification Process June 2021. Collection method: clinical testing. Allele origin: germline. Affected: yes.
Comment: Missense variants in this gene are a common cause of disease and they are underrepresented in the general population; In silico analysis suggests that this missense variant does not alter protein structure/function; Has not been previously published as pathogenic or benign to our knowledge; This variant is associated with the following publications: (PMID: 27439679)

Revvity Omics, Revvity
Classification: Uncertain significance. Last evaluated: 2025-02-05. Review status: criteria provided, single submitter. Criteria: ACMG Guidelines, 2015. Collection method: clinical testing. Allele origin: germline.

Labcorp Genetics (formerly Invitae), Labcorp
Classification: Uncertain significance for Walker-Warburg congenital muscular dystrophy. Last evaluated: 2025-01-17. Review status: criteria provided, single submitter. Criteria: Invitae Variant Classification Sherloc (09022015). Collection method: clinical testing. Allele origin: germline.
Comment: This sequence change replaces alanine, which is neutral and non-polar, with threonine, which is neutral and polar, at codon 335 of the FKRP protein (p.Ala335Thr). This variant is present in population databases (rs776947530, gnomAD 0.06%). This variant has not been reported in the literature in individuals affected with FKRP-related conditions. ClinVar contains an entry for this variant (Variation ID: 283265). Invitae Evidence Modeling of protein sequence and biophysical properties (such as structural, functional, and spatial information, amino acid conservation, physicochemical variation, residue mobility, and thermodynamic stability) indicates that this missense variant is not expected to disrupt FKRP protein function with a negative predictive value of 80%. In summary, the available evidence is currently insufficient to determine the role of this variant in disease. Therefore, it has been classified as a Variant of Uncertain Significance.

Ambry Genetics
Classification: Uncertain significance for Cardiovascular phenotype. Last evaluated: 2024-02-09. Review status: criteria provided, single submitter. Criteria: Ambry Variant Classification Scheme 2023. Collection method: clinical testing. Allele origin: germline.
Comment: The p.A335T variant (also known as c.1003G>A), located in coding exon 1 of the FKRP gene, results from a G to A substitution at nucleotide position 1003. The alanine at codon 335 is replaced by threonine, an amino acid with similar properties. This amino acid position is not well conserved in available vertebrate species, and threonine is the reference amino acid in other vertebrate species. In addition, this alteration is predicted to be tolerated by in silico analysis. Since supporting evidence is limited at this time, the clinical significance of this alteration remains unclear.

Fulgent Genetics
Classification: Uncertain significance for Muscular dystrophy-dystroglycanopathy (congenital with brain and eye anomalies), type A1; Muscular dystrophy-dystroglycanopathy type B5; Autosomal recessive limb-girdle muscular dystrophy type 2I; Muscular dystrophy-dystroglycanopathy (congenital with brain and eye anomalies), type A5. Last evaluated: 2021-08-09. Review status: criteria provided, single submitter. Criteria: ACMG Guidelines, 2015. Collection method: clinical testing. Allele origin: unknown.

Athena Diagnostics
Classification: Uncertain significance. Last evaluated: 2021-05-13. Review status: criteria provided, single submitter. Criteria: Athena Diagnostics criteria. Collection method: clinical testing. Allele origin: unknown.

Eurofins Ntd Llc (ga)
Classification: Uncertain significance. Last evaluated: 2015-09-08. Review status: criteria provided, single submitter. Criteria: EGL Classification Definitions 2015. Collection method: clinical testing. Allele origin: germline. Observed: 1 variant allele, 1 heterozygote.

Natera, Inc.
Classification: Uncertain significance for Limb-girdle muscular dystrophy type 2I. Last evaluated: 2019-10-28. Review status: no assertion criteria provided. Collection method: clinical testing. Allele origin: germline. Not counted in ClinVar's aggregate classification.